The following is an entry in ClinVar:

ClinVar aggregate classification (germline): Pathogenic (1 of 4 stars; one submission).

Submission:

Labcorp Genetics (formerly Invitae), Labcorp
Classification: Pathogenic. Last evaluated: 2022-08-16. Review status: criteria provided, single submitter. Criteria: Invitae Variant Classification Sherloc (09022015). Collection method: clinical testing. Allele origin: germline.
Comment: For these reasons, this variant has been classified as Pathogenic. This variant has not been reported in the literature in individuals affected with YARS2-related conditions. This variant is not present in population databases (gnomAD no frequency). This sequence change creates a premature translational stop signal (p.Lys127*) in the YARS2 gene. It is expected to result in an absent or disrupted protein product. Loss-of-function variants in YARS2 are known to be pathogenic (PMID: 20598274, 24344687, 25638461).

Literature cited by the submitters: PubMed 20598274; PubMed 24344687; PubMed 25638461.

NM_001040436.3(YARS2):c.379A>T (p.Lys127Ter)

Gene: YARS2 (tyrosyl-tRNA synthetase 2; minus strand). Cytogenetic location: 12p11.21.
Variant type: single nucleotide variant.
Coding change: c.379A>T on transcript NM_001040436.3 (MANE Select); coding-DNA position 379, A replaced by T.
Protein change: p.Lys127Ter; replaces lysine 127 with a stop codon.
Molecular consequence: nonsense.
Genome position (GRCh38, 1-based): chr12:32,755,496, T>A on the plus strand (A>T on the coding strand, the complement: YARS2 is on the minus strand). VCF-style: chr12-32755496-T-A. GRCh37 (hg19) VCF-style: chr12-32908430-T-A.
Other names: short protein forms K127*.
Identifiers: ClinVar variation 2105074 (VCV002105074.4), dbSNP rs2541164176, ClinGen allele CA384374018.